The following is an entry in ClinVar:

ClinVar aggregate classification (germline): Uncertain significance (1 of 4 stars; one submission).

gnomAD v4.1: 7 of 1,613,996 alleles (0.00043%); highest among the groups gnomAD compares: Non-Finnish European, 0.00059%; no homozygotes.

Submission:

Labcorp Genetics (formerly Invitae), Labcorp
Classification: Uncertain significance. Last evaluated: 2021-03-10. Review status: criteria provided, single submitter. Criteria: Invitae Variant Classification Sherloc (09022015). Collection method: clinical testing. Allele origin: germline.
Comment: In summary, the available evidence is currently insufficient to determine the role of this variant in disease. Therefore, it has been classified as a Variant of Uncertain Significance. Algorithms developed to predict the effect of missense changes on protein structure and function output the following: SIFT: "Deleterious"; PolyPhen-2: "Benign"; Align-GVGD: "Class C0". The asparagine amino acid residue is found in multiple mammalian species, suggesting that this missense change does not adversely affect protein function. These predictions have not been confirmed by published functional studies and their clinical significance is uncertain. This variant has not been reported in the literature in individuals with OBSL1-related conditions. This variant is not present in population databases (ExAC no frequency). This sequence change replaces serine with asparagine at codon 850 of the OBSL1 protein (p.Ser850Asn). The serine residue is highly conserved and there is a small physicochemical difference between serine and asparagine.

NM_015311.3(OBSL1):c.2549G>A (p.Ser850Asn)

Gene: OBSL1 (obscurin like cytoskeletal adaptor 1; minus strand). Cytogenetic location: 2q35.
Variant type: single nucleotide variant.
Coding change: c.2549G>A on transcript NM_015311.3 (MANE Select); coding-DNA position 2549, G replaced by A.
Protein change: p.Ser850Asn; replaces serine 850 with asparagine.
Molecular consequence: missense variant.
Genome position (GRCh38, 1-based): chr2:219,563,486, C>T on the plus strand (G>A on the coding strand, the complement: OBSL1 is on the minus strand). VCF-style: chr2-219563486-C-T. GRCh37 (hg19) VCF-style: chr2-220428208-C-T.
Other names: c.2549G>A, p.Ser850Asn (NM_001173408.2, NM_001173431.2); short protein forms S850N.
Identifiers: ClinVar variation 1508482 (VCV001508482.8), dbSNP rs1050651649, ClinGen allele CA350748440.
Genomic context (GRCh38, chr2:219,563,486, plus strand): 5'-TGGGTGGCGGGCAGCACCAGGCGGCGATGGGGCCCCTCATTCTCCAGCACCACGAAGTCA[C>T]TCTCCTCCACCTCCTGCCCGTCCTTGTACCAACGCACAGGGGCGTCCTCTCGGTCCACCT-3'
Protein context (NP_056126.1, residues 840-860): WYKDGQEVEE[Ser850Asn]DFVVLENEGP